The following is an entry in ClinVar:

ClinVar aggregate classification (germline): Benign (1 of 4 stars; one submission).

Conditions:
Majeed syndrome (MJDS). Also called: CHRONIC RECURRENT MULTIFOCAL OSTEOMYELITIS 1, WITH CONGENITAL DYSERYTHROPOIETIC ANEMIA, WITH OR WITHOUT NEUTROPHILIC DERMATOSIS; LPIN2-Related Majeed Syndrome. Identifiers: Orphanet 77297, MedGen C1864997, MONDO:0012316, OMIM 609628.

Allele frequency attached by ClinVar (database versions not stated): gnomAD 0.02854 and 0.03080; TOPMed 0.03278; 1000 Genomes Project 0.03315; 1000 Genomes Project 30x 0.03607.

Submission:

Illumina Laboratory Services, Illumina
Classification: Benign for Majeed syndrome. Last evaluated: 2018-01-12. Review status: criteria provided, single submitter. Criteria: ICSL Variant Classification Criteria 13 December 2019. Collection method: clinical testing. Allele origin: germline.
Comment: This variant was observed in the ICSL laboratory as part of a predisposition screen in an ostensibly healthy population. It had not been previously curated by ICSL or reported in the Human Gene Mutation Database (HGMD: prior to June 1st, 2018), and was therefore a candidate for classification through an automated scoring system. Utilizing variant allele frequency, disease prevalence and penetrance estimates, and inheritance mode, an automated score was calculated to assess if this variant is too frequent to cause the disease. Based on the score and internal cut-off values, a variant classified as benign is not then subjected to further curation. The score for this variant resulted in a classification of benign for this disease.

NM_001375808.2(LPIN2):c.*2241T>C

Gene: LPIN2 (lipin 2; minus strand). Cytogenetic location: 18p11.31.
Variant type: single nucleotide variant.
Coding change: c.*2241T>C on transcript NM_001375808.2 (MANE Select); 2241 bases downstream of the stop codon, T replaced by C.
Molecular consequence: 3 prime UTR variant.
Genome position (GRCh38, 1-based): chr18:2,918,052, A>G on the plus strand (T>C on the coding strand, the complement: LPIN2 is on the minus strand). VCF-style: chr18-2918052-A-G. GRCh37 (hg19) VCF-style: chr18-2918050-A-G.
Other names: c.*2241T>C (NM_001375809.1, NM_014646.2).
Identifiers: ClinVar variation 326571 (VCV000326571.5), dbSNP rs16944033, ClinGen allele CA10647371.